The following is an entry in ClinVar:

ClinVar aggregate classification (germline): Uncertain significance (1 of 4 stars; one submission).

Submission:

GeneDx
Classification: Uncertain significance. Last evaluated: 2024-07-05. Review status: criteria provided, single submitter. Criteria: GeneDx Variant Classification Process June 2021. Collection method: clinical testing. Allele origin: germline. Affected: yes.
Comment: Not observed at significant frequency in large population cohorts (gnomAD); In silico analysis indicates that this missense variant does not alter protein structure/function; Has not been previously published as pathogenic or benign to our knowledge

NM_004006.3(DMD):c.6049C>T (p.Leu2017Phe)

Gene: DMD (dystrophin; minus strand). Cytogenetic location: Xp21.1.
Variant type: single nucleotide variant.
Coding change: c.6049C>T on transcript NM_004006.3 (MANE Select); coding-DNA position 6049, C replaced by T.
Protein change: p.Leu2017Phe; replaces leucine 2017 with phenylalanine.
Molecular consequence: missense variant.
Genome position (GRCh38, 1-based): chrX:32,310,150, G>A on the plus strand (C>T on the coding strand, the complement: DMD is on the minus strand). VCF-style: chrX-32310150-G-A. GRCh37 (hg19) VCF-style: chrX-32328267-G-A.
Other names: c.6025C>T, p.Leu2009Phe (NM_000109.4); c.6037C>T, p.Leu2013Phe (NM_004009.3); c.5680C>T, p.Leu1894Phe (NM_004010.3); c.2026C>T, p.Leu676Phe (NM_004011.4); c.2017C>T, p.Leu673Phe (NM_004012.4); short protein forms L1894F, L2013F, L2017F, L673F, L2009F, L676F.
Identifiers: ClinVar variation 3393676 (VCV003393676.1).
Genomic context (GRCh38, chrX:32,310,150, plus strand): 5'-ACTCCTCTTGCTTAAAGAGATCTTCAAAGTCCTTAGCACAGAGGTCAGGAGCATTGAGAA[G>A]TTGTTCCACTTCTAATAGGGCTTGTGAGACATGAGTGATTTCAGTCAAATAAGTAGAAGG-3'
Protein context (NP_003997.2, residues 2007-2027): VSQALLEVEQ[Leu2017Phe]LNAPDLCAKD